The following is an entry in ClinVar:

ClinVar aggregate classification (germline): Uncertain significance (0 of 4 stars; one submission).

Submission:

Department of Pathology and Laboratory Medicine, Sinai Health System
Classification: Uncertain significance. Review status: no assertion criteria provided. Collection method: clinical testing. Allele origin: unknown. Affected: yes. Study: The Canadian Open Genetics Repository (COGR).
Comment: The SLC22A5 p.Asp133Thrfs*8 variant was not identified in the literature nor was it identified in dbSNP, ClinVar, Cosmic, LOVD 3.0 or in the following control databases: the 1000 Genomes Project, the NHLBI GO Exome Sequencing Project, the Exome Aggregation Consortium (August 8th 2016), or the Genome Aggregation Database (Feb 27, 2017). On the NM_001308122 transcript, the c.396del variant is predicted to cause a frameshift, which alters the protein's amino acid sequence beginning at codon 133 and leads to a premature stop codon 8 codons downstream. This alteration is then predicted to result in a truncated or absent protein and loss of function. However, on the canonical transcript for this gene, NM_003060, this variant is an intronic variant and therefore is not predicted to cause loss of function. In summary, based on the above information the clinical significance of this variant cannot be determined with certainty at this time. This variant is classified as a variant of uncertain significance.

NM_003060.4(SLC22A5):c.394-212del

Gene: SLC22A5 (solute carrier family 22 member 5; plus strand). Cytogenetic location: 5q31.1.
Variant type: Deletion.
Coding change: c.394-212del on transcript NM_003060.4 (MANE Select); 212 bases into the intron before coding-DNA position 394, one base deleted (A; older notation c.394-212delA).
Molecular consequence: intron variant. On other transcripts: frameshift variant (1).
Genome position (GRCh38, 1-based): chr5:132,378,166, A deleted; the last of 2 consecutive A bases (chr5:132,378,165-132,378,166); deleting either gives the same sequence. VCF-style (leftmost placement, unchanged base first): chr5-132378164-CA-C. GRCh37 (hg19) VCF-style: chr5-131713856-CA-C.
Other names: c.396del, p.Asp133fs (NM_001308122.2); short protein forms D133fs.
Identifiers: ClinVar variation 1049255 (VCV001049255.1), dbSNP rs2126775292, ClinGen allele CA2499217550.